The following is an entry in ClinVar:

ClinVar aggregate classification (germline): Uncertain significance. Review status: criteria provided, multiple submitters, no conflicts (2 of 4 stars). 4 submissions from 4 submitters: Uncertain significance (4). Last evaluated 2025-12-07.

Conditions:
Dilated cardiomyopathy 1KK (CMD1KK). Identifiers: Orphanet 154, Orphanet 75249, MedGen C3714995, MONDO:0014100, OMIM 615248.
Cardiovascular phenotype. Identifiers: MedGen CN230736.

Allele frequency attached by ClinVar (database versions not stated): gnomAD exomes 0.00001; TOPMed below 0.00001; ExAC 0.00001.
gnomAD v4.1: 5 of 1,614,120 alleles (0.00031%); highest among the groups gnomAD compares: Admixed American, 0.0017%; no homozygotes.

Submissions (4):

Ambry Genetics
Classification: Uncertain significance for Cardiovascular phenotype. Last evaluated: 2025-12-07. Review status: criteria provided, single submitter. Criteria: Ambry Variant Classification Scheme 2023. Collection method: clinical testing. Allele origin: germline.
Comment: The p.V1189M variant (also known as c.3565G>A), located in coding exon 17 of the MYPN gene, results from a G to A substitution at nucleotide position 3565. The valine at codon 1189 is replaced by methionine, an amino acid with highly similar properties. This amino acid position is highly conserved in available vertebrate species. In addition, the in silico prediction for this alteration is inconclusive. Since supporting evidence is limited at this time, the clinical significance of this alteration remains unclear.

GeneDx
Classification: Uncertain significance. Last evaluated: 2025-05-07. Review status: criteria provided, single submitter. Criteria: GeneDx Variant Classification Process June 2021. Collection method: clinical testing. Allele origin: germline. Affected: yes.
Comment: Not observed at significant frequency in large population cohorts (gnomAD); In silico analysis supports that this missense variant has a deleterious effect on protein structure/function; Has not been previously published as pathogenic or benign to our knowledge

Revvity Omics, Revvity
Classification: Uncertain significance. Last evaluated: 2023-09-01. Review status: criteria provided, single submitter. Criteria: ACMG Guidelines, 2015. Collection method: clinical testing. Allele origin: germline.

Labcorp Genetics (formerly Invitae), Labcorp
Classification: Uncertain significance for Dilated cardiomyopathy 1KK. Last evaluated: 2022-03-22. Review status: criteria provided, single submitter. Criteria: Invitae Variant Classification Sherloc (09022015). Collection method: clinical testing. Allele origin: germline.
Comment: This sequence change replaces valine, which is neutral and non-polar, with methionine, which is neutral and non-polar, at codon 1189 of the MYPN protein (p.Val1189Met). This variant is present in population databases (rs776313364, gnomAD 0.003%). This variant has not been reported in the literature in individuals affected with MYPN-related conditions. ClinVar contains an entry for this variant (Variation ID: 1057903). Algorithms developed to predict the effect of missense changes on protein structure and function are either unavailable or do not agree on the potential impact of this missense change (SIFT: "Deleterious"; PolyPhen-2: "Probably Damaging"; Align-GVGD: "Class C0"). In summary, the available evidence is currently insufficient to determine the role of this variant in disease. Therefore, it has been classified as a Variant of Uncertain Significance.

NM_032578.4(MYPN):c.3565G>A (p.Val1189Met)

Gene: MYPN (myopalladin; plus strand). Cytogenetic location: 10q21.3.
Variant type: single nucleotide variant.
Coding change: c.3565G>A on transcript NM_032578.4 (MANE Select); coding-DNA position 3565, G replaced by A.
Protein change: p.Val1189Met; replaces valine 1189 with methionine.
Molecular consequence: missense variant. On other transcripts: non-coding transcript variant (2).
Genome position (GRCh38, 1-based): chr10:68,201,900, G>A. VCF-style: chr10-68201900-G-A. GRCh37 (hg19) VCF-style: chr10-69961657-G-A.
Other names: c.3565G>A, p.Val1189Met (NM_001256267.2); c.2683G>A, p.Val895Met (NM_001256268.2); c.3565G>A (NM_032578.3, NM_032578.2); short protein forms V1189M, V895M.
Identifiers: ClinVar variation 1057903 (VCV001057903.8), dbSNP rs776313364, ClinGen allele CA5523092.
Genomic context (GRCh38, chr10:68,201,900, plus strand): 5'-AAGAAAGCACCTGTGATCCTGGAGAAACTACAGAACTGCGGTGTTCCCGAAGGCCACCCC[G>A]TGAGACTGGAGTGCCGCGTGATAGGCATGCCCCCACCTGTGTTCTACTGGAAGAAAGACA-3'
Protein context (NP_115967.2, residues 1179-1199): QNCGVPEGHP[Val1189Met]RLECRVIGMP